The following is an entry in ClinVar:

ClinVar aggregate classification (germline): Conflicting classifications of pathogenicity. Review status: criteria provided, conflicting classifications (1 of 4 stars). 2 submissions from 2 submitters: Uncertain significance (1); Likely benign (1). Last evaluated 2023-03-23.

Conditions:
Hereditary cancer-predisposing syndrome. Also called: Hereditary neoplastic syndrome; Tumor predisposition; Hereditary Cancer Syndrome; Neoplastic Syndromes, Hereditary. Identifiers: Orphanet 140162, MedGen C0027672, MeSH D009386, MONDO:0015356.

gnomAD v4.1: 1 of 1,611,688 alleles (0.000062%); highest among the groups gnomAD compares: South Asian, 0.0011%; no homozygotes.

Submissions (2):

University of Washington Department of Laboratory Medicine, University of Washington
Classification: Likely benign for Hereditary cancer-predisposing syndrome. Last evaluated: 2023-03-23. Review status: criteria provided, single submitter. Criteria: Dines et al. (Genet Med. 2020). Collection method: curation. Allele origin: germline.
Comment: Missense variant in a coldspot region where missense variants are very unlikely to be pathogenic (PMID:31911673).

BRCA2 exon 11 coldspot. Reclassification based on statistical prior probability.

Women's Health and Genetics/Laboratory Corporation of America, LabCorp
Classification: Uncertain significance. Last evaluated: 2017-03-30. Review status: criteria provided, single submitter. Criteria: LabCorp Variant Classification Summary - May 2015. Collection method: clinical testing. Allele origin: germline.
Comment: Variant summary: The BRCA2 c.2895G>C (p.Met965Ile) variant involves the alteration of a non-conserved nucleotide, resulting in a missense substitution. The variant does not lie within a known functional domain (InterPro) and 4/4 in silico tools predict a benign outcome for this variant (SNPs&GO not captured due to low reliability index). This variant is absent from the large control database ExAC (0/120586 control chromosomes). To our knowledge, the variant of interest has not been reported in affected individuals via publications or reputable databases/clinical diagnostic laboratories, nor has it been evaluated for functional impact by in vivo/vitro studies. Because of the absence of clinical information and the lack of functional studies, the variant is classified as a variant of uncertain significance (VUS) until additional information becomes available.

NM_000059.4(BRCA2):c.2895G>C (p.Met965Ile)

Gene: BRCA2 (BRCA2 DNA repair associated; plus strand). Cytogenetic location: 13q13.1.
Variant type: single nucleotide variant.
Coding change: c.2895G>C on transcript NM_000059.4 (MANE Select); coding-DNA position 2895, G replaced by C.
Protein change: p.Met965Ile; replaces methionine 965 with isoleucine.
Molecular consequence: missense variant.
Genome position (GRCh38, 1-based): chr13:32,337,250, G>C. VCF-style: chr13-32337250-G-C. GRCh37 (hg19) VCF-style: chr13-32911387-G-C.
Other names: short protein forms M965I.
Identifiers: ClinVar variation 495445 (VCV000495445.3), dbSNP rs1555282929, ClinGen allele CA387774143.